The following is an entry in ClinVar:

ClinVar aggregate classification (germline): Uncertain significance (1 of 4 stars; one submission).

Conditions:
Retinoblastoma (RB1). Also called: RETINOBLASTOMA, SOMATIC. Identifiers: Orphanet 790, MedGen C0035335, MeSH D012175, MONDO:0008380, OMIM 180200, HP:0009919. Disease mechanism: loss of function. Inheritance: Both sporadic and heritable forms are tested..

Submission:

Labcorp Genetics (formerly Invitae), Labcorp
Classification: Uncertain significance for Retinoblastoma. Last evaluated: 2024-07-23. Review status: criteria provided, single submitter. Criteria: Invitae Variant Classification Sherloc (09022015). Collection method: clinical testing. Allele origin: germline.
Comment: This sequence change replaces isoleucine, which is neutral and non-polar, with valine, which is neutral and non-polar, at codon 415 of the RB1 protein (p.Ile415Val). This variant is not present in population databases (gnomAD no frequency). This variant has not been reported in the literature in individuals affected with RB1-related conditions. ClinVar contains an entry for this variant (Variation ID: 575465). Advanced modeling of protein sequence and biophysical properties (such as structural, functional, and spatial information, amino acid conservation, physicochemical variation, residue mobility, and thermodynamic stability) performed at Invitae indicates that this missense variant is not expected to disrupt RB1 protein function with a negative predictive value of 80%. In summary, the available evidence is currently insufficient to determine the role of this variant in disease. Therefore, it has been classified as a Variant of Uncertain Significance.

NM_000321.3(RB1):c.1243A>G (p.Ile415Val)

Gene: RB1 (RB transcriptional corepressor 1; plus strand). Cytogenetic location: 13q14.2.
Variant type: single nucleotide variant.
Coding change: c.1243A>G on transcript NM_000321.3 (MANE Select); coding-DNA position 1243, A replaced by G.
Protein change: p.Ile415Val; replaces isoleucine 415 with valine.
Molecular consequence: missense variant.
Genome position (GRCh38, 1-based): chr13:48,376,945, A>G. VCF-style: chr13-48376945-A-G. GRCh37 (hg19) VCF-style: chr13-48951081-A-G.
Other names: short protein forms I415V.
Identifiers: ClinVar variation 575465 (VCV000575465.8), dbSNP rs1346693507, ClinGen allele CA388161992.